The following is an entry in ClinVar:

ClinVar aggregate classification (germline): Uncertain significance. Review status: criteria provided, multiple submitters, no conflicts (2 of 4 stars). 3 submissions from 3 submitters: Uncertain significance (3). Last evaluated 2025-11-19.

Conditions:
Hereditary cancer-predisposing syndrome. Also called: Hereditary neoplastic syndrome; Neoplastic Syndromes, Hereditary; Tumor predisposition; Hereditary Cancer Syndrome. Identifiers: Orphanet 140162, MedGen C0027672, MeSH D009386, MONDO:0015356.
Neuroblastoma, susceptibility to, 3. Also called: ALK-Related Neuroblastic Tumor Susceptibility. Identifiers: Orphanet 635, MedGen C2751681, MONDO:0013083, OMIM 613014.

Allele frequency attached by ClinVar (database versions not stated): gnomAD exomes below 0.00001; gnomAD 0.00001; TOPMed 0.00001.
gnomAD v4.1: 4 of 1,506,608 alleles (0.00027%); highest among the groups gnomAD compares: Non-Finnish European, 0.00028%; no homozygotes.

Submissions (3):

Labcorp Genetics (formerly Invitae), Labcorp
Classification: Uncertain significance for Neuroblastoma, susceptibility to, 3. Last evaluated: 2025-11-19. Review status: criteria provided, single submitter. Criteria: Invitae Variant Classification Sherloc (09022015). Collection method: clinical testing. Allele origin: germline.
Comment: This sequence change replaces glycine, which is neutral and non-polar, with arginine, which is basic and polar, at codon 926 of the ALK protein (p.Gly926Arg). This variant is not present in population databases (gnomAD no frequency). This variant has not been reported in the literature in individuals affected with ALK-related conditions. ClinVar contains an entry for this variant (Variation ID: 1021122). An algorithm developed to predict the effect of missense changes on protein structure and function (PolyPhen-2) suggests that this variant is likely to be disruptive. In summary, the available evidence is currently insufficient to determine the role of this variant in disease. Therefore, it has been classified as a Variant of Uncertain Significance.

Ambry Genetics
Classification: Uncertain significance for Hereditary cancer-predisposing syndrome. Last evaluated: 2025-02-10. Review status: criteria provided, single submitter. Criteria: Ambry Variant Classification Scheme 2023. Collection method: clinical testing. Allele origin: germline.
Comment: The p.G926R variant (also known as c.2776G>A), located in coding exon 16 of the ALK gene, results from a G to A substitution at nucleotide position 2776. The glycine at codon 926 is replaced by arginine, an amino acid with dissimilar properties. This amino acid position is conserved. In addition, the in silico prediction for this alteration is inconclusive. Since supporting evidence is limited at this time, the clinical significance of this alteration remains unclear.

GeneDx
Classification: Uncertain significance. Last evaluated: 2023-05-23. Review status: criteria provided, single submitter. Criteria: GeneDx Variant Classification Process June 2021. Collection method: clinical testing. Allele origin: germline. Affected: yes.
Comment: Not observed at significant frequency in large population cohorts (gnomAD); In silico analysis supports that this missense variant has a deleterious effect on protein structure/function; Has not been previously published as pathogenic or benign to our knowledge

NM_004304.5(ALK):c.2776G>A (p.Gly926Arg)

Gene: ALK (ALK receptor tyrosine kinase; minus strand). Cytogenetic location: 2p23.2.
Variant type: single nucleotide variant.
Coding change: c.2776G>A on transcript NM_004304.5 (MANE Select); coding-DNA position 2776, G replaced by A.
Protein change: p.Gly926Arg; replaces glycine 926 with arginine.
Molecular consequence: missense variant.
Genome position (GRCh38, 1-based): chr2:29,228,923, C>T on the plus strand (G>A on the coding strand, the complement: ALK is on the minus strand). VCF-style: chr2-29228923-C-T. GRCh37 (hg19) VCF-style: chr2-29451789-C-T.
Other names: short protein forms G926R.
Identifiers: ClinVar variation 1021122 (VCV001021122.13), dbSNP rs1664097034, ClinGen allele CA346469581.